The following is an entry in ClinVar:

NM_198576.4(AGRN):c.3952G>A (p.Val1318Met)

Gene: AGRN (agrin; plus strand). Cytogenetic location: 1p36.33.
Variant type: single nucleotide variant.
Coding change: c.3952G>A on transcript NM_198576.4 (MANE Select); coding-DNA position 3952, G replaced by A.
Protein change: p.Val1318Met; replaces valine 1318 with methionine.
Molecular consequence: missense variant.
Genome position (GRCh38, 1-based): chr1:1,048,212, G>A. VCF-style: chr1-1048212-G-A. GRCh37 (hg19) VCF-style: chr1-983592-G-A.
Other names: c.3952G>A, p.Val1318Met (NM_001305275.2); c.3637G>A, p.Val1213Met (NM_001364727.2); short protein forms V1213M, V1318M.
Identifiers: ClinVar variation 1492451 (VCV001492451.5), dbSNP rs1044828934, ClinGen allele CA16760306.

ClinVar aggregate classification (germline): Uncertain significance (1 of 4 stars; one submission).

Conditions:
Congenital myasthenic syndrome 8. Also called: MYASTHENIC SYNDROME, CONGENITAL, DUE TO AGRIN DEFICIENCY; Myasthenic syndrome, congenital, 8, with pre- and postsynaptic defects. Identifiers: Orphanet 590, MedGen C3808739, MONDO:0014052, OMIM 615120.

Allele frequency attached by ClinVar (database versions not stated): TOPMed below 0.00001; gnomAD exomes 0.00001 and 0.00004.
gnomAD v4.1: 5 of 1,553,064 alleles (0.00032%); highest among the groups gnomAD compares: Admixed American, 0.0094%; no homozygotes.

Submission:

Labcorp Genetics (formerly Invitae), Labcorp
Classification: Uncertain significance for Congenital myasthenic syndrome 8. Last evaluated: 2022-08-03. Review status: criteria provided, single submitter. Criteria: Invitae Variant Classification Sherloc (09022015). Collection method: clinical testing. Allele origin: germline.
Comment: This sequence change replaces valine, which is neutral and non-polar, with methionine, which is neutral and non-polar, at codon 1318 of the AGRN protein (p.Val1318Met). This variant is present in population databases (no rsID available, gnomAD 0.02%). This variant has not been reported in the literature in individuals affected with AGRN-related conditions. ClinVar contains an entry for this variant (Variation ID: 1492451). Algorithms developed to predict the effect of missense changes on protein structure and function output the following: SIFT: "Tolerated"; PolyPhen-2: "Benign"; Align-GVGD: "Class C0". The methionine amino acid residue is found in multiple mammalian species, which suggests that this missense change does not adversely affect protein function. In summary, the available evidence is currently insufficient to determine the role of this variant in disease. Therefore, it has been classified as a Variant of Uncertain Significance.